The following is an entry in ClinVar:

NC_000012.12:g.(?_827032)_(908802_?)dup

Gene: WNK1 (WNK lysine deficient protein kinase 1; plus strand). Cytogenetic location: 12p13.33.
Variant type: Duplication.
Identifiers: ClinVar variation 832768 (VCV000832768.6).

ClinVar aggregate classification (germline): Uncertain significance (1 of 4 stars; one submission).

Conditions:
Pseudohypoaldosteronism type 2C (PHA2C). Also called: Pseudohypoaldosteronism Type IIC. Identifiers: Orphanet 757, Orphanet 88940, MedGen C1840391, MONDO:0013778, OMIM 614492.
Neuropathy, hereditary sensory and autonomic, type 2A (HSAN2A). Also called: MORVAN DISEASE; NEUROPATHY, CONGENITAL SENSORY; NEUROPATHY, HEREDITARY SENSORY RADICULAR, AUTOSOMAL RECESSIVE; NEUROPATHY, HEREDITARY SENSORY, TYPE IIA; NEUROPATHY, PROGRESSIVE SENSORY, OF CHILDREN; WNK1-Related HSAN2 (HSAN2A). Identifiers: Orphanet 970, MedGen C2752089, MONDO:0024309, OMIM 201300.

Submission:

Labcorp Genetics (formerly Invitae), Labcorp
Classification: Uncertain significance for Neuropathy, hereditary sensory and autonomic, type 2A; Pseudohypoaldosteronism type 2C. Last evaluated: 2020-05-21. Review status: criteria provided, single submitter. Criteria: Invitae Variant Classification Sherloc (09022015). Collection method: clinical testing. Allele origin: germline.
Comment: In summary, the available evidence is currently insufficient to determine the role of this variant in disease. Therefore, it has been classified as a Variant of Uncertain Significance. This variant has not been reported in the literature in individuals with WNK1-related conditions. This variant results in a copy number gain of the genomic region encompassing exons 3-28 of the WNK1 gene. The 5' boundary is likely confined to intron 2. The 3' end of this event is unknown as it extends beyond the assayed region for this gene and therefore may encompass additional genes. As the precise location of this event is unknown, it may be in tandem or it may be located elsewhere in the genome.